The following is an entry in ClinVar:

ClinVar aggregate classification (germline): Conflicting classifications of pathogenicity. Review status: criteria provided, conflicting classifications (1 of 4 stars). 4 submissions from 4 submitters: Uncertain significance (2); Benign (1); Likely benign (1). Last evaluated 2025-09-15.

Conditions:
Occult macular dystrophy (OCMD). Also called: OMD; OCCULT MACULAR DYSTROPHY, SUSCEPTIBILITY TO. Identifiers: Orphanet 247834, MedGen C3150833, MONDO:0013316, OMIM 613587, HP:0030636.
RP1L1-related disorder. Also called: RP1L1-related condition.

Allele frequency attached by ClinVar (database versions not stated): ESP Exome Variant Server 0.00008; 1000 Genomes Project 30x 0.00016; 1000 Genomes Project 0.00020; gnomAD 0.00020 and 0.00021; ExAC 0.00021; gnomAD exomes 0.00026; TOPMed 0.00033.
gnomAD v4.1: 225 of 1,614,224 alleles (0.014%); highest among the groups gnomAD compares: Admixed American, 0.072%; 1 homozygote.

Submissions (4):

PreventionGenetics, part of Exact Sciences
Classification: Uncertain significance for RP1L1-related condition. Last evaluated: 2025-09-15. Review status: criteria provided, single submitter. Criteria: ACMG Guidelines, 2015. Collection method: clinical testing. Allele origin: germline.
Comment: The RP1L1 c.6902C>G variant is predicted to result in the amino acid substitution p.Ser2301Cys. This variant has been reported in an individual with retinal or optic nerve disease (Table S12, Diñeiro et al. 2020. PubMed ID: 32483926). This variant is reported in 0.073% of alleles in individuals of Latino descent in gnomAD, which may be too frequent to be a primary cause of disease. At this time, the clinical significance of this variant is uncertain due to the absence of conclusive functional and genetic evidence.

Blueprint Genetics
Classification: Likely benign. Last evaluated: 2024-10-14. Review status: criteria provided, single submitter. Criteria: ACMG Guidelines, 2015. Collection method: clinical testing. Allele origin: germline.

Illumina Laboratory Services, Illumina
Classification: Benign for Occult macular dystrophy. Last evaluated: 2018-01-12. Review status: criteria provided, single submitter. Criteria: ICSL Variant Classification Criteria 13 December 2019. Collection method: clinical testing. Allele origin: germline.
Comment: This variant was observed in the ICSL laboratory as part of a predisposition screen in an ostensibly healthy population. It had not been previously curated by ICSL or reported in the Human Gene Mutation Database (HGMD: prior to June 1st, 2018), and was therefore a candidate for classification through an automated scoring system. Utilizing variant allele frequency, disease prevalence and penetrance estimates, and inheritance mode, an automated score was calculated to assess if this variant is too frequent to cause the disease. Based on the score and internal cut-off values, a variant classified as benign is not then subjected to further curation. The score for this variant resulted in a classification of benign for this disease.

CeGaT Center for Human Genetics Tuebingen
Classification: Uncertain significance. Last evaluated: 2017-01-01. Review status: criteria provided, single submitter. Criteria: CeGaT Center For Human Genetics Tuebingen Variant Classification Criteria Version 2. Collection method: clinical testing. Allele origin: germline. Affected: yes. Observed: 1 variant allele.

NM_178857.6(RP1L1):c.6902C>G (p.Ser2301Cys)

Gene: RP1L1 (RP1 like 1). Cytogenetic location: 8p23.1.
Variant type: single nucleotide variant.
Coding change: c.6902C>G on transcript NM_178857.6 (MANE Select); coding-DNA position 6902, C replaced by G.
Protein change: p.Ser2301Cys; replaces serine 2301 with cysteine.
Molecular consequence: missense variant.
Genome position (GRCh38, 1-based): chr8:10,607,196, G>C on the plus strand (C>G on the coding strand, the complement: RP1L1 is on the minus strand). VCF-style: chr8-10607196-G-C. GRCh37 (hg19) VCF-style: chr8-10464706-G-C.
Other names: short protein forms S2301C.
Identifiers: ClinVar variation 425430 (VCV000425430.49), dbSNP rs199631825, ClinGen allele CA4623137.